The following is an entry in ClinVar:

ClinVar aggregate classification (germline): Benign/Likely benign. Review status: criteria provided, multiple submitters, no conflicts (2 of 4 stars). 4 submissions from 4 submitters: Benign (1); Likely benign (2). 1 of the submissions does not count toward it. Last evaluated 2026-01-23.

Conditions:
PEX26-related disorder. Also called: PEX26-related condition.
Peroxisome biogenesis disorder 7A (Zellweger). Also called: Peroxisome biogenesis disorder 7A. Identifiers: Orphanet 912, MedGen C3888385, MONDO:0013938, OMIM 614872.
Peroxisome biogenesis disorder 7B (PBD7B). Identifiers: Orphanet 44, MedGen C3553951, MONDO:0013939, OMIM 614873.

Allele frequency attached by ClinVar (database versions not stated): gnomAD exomes 0.00007 and 0.00042; gnomAD 0.00013 and 0.00018; TOPMed 0.00020; ExAC 0.00043; 1000 Genomes Project 0.00100; 1000 Genomes Project 30x 0.00109.
gnomAD v4.1: 128 of 1,614,066 alleles (0.0079%); highest among the groups gnomAD compares: East Asian, 0.25%; no homozygotes.

Submissions (4):

Labcorp Genetics (formerly Invitae), Labcorp
Classification: Benign for Peroxisome biogenesis disorder 7A (Zellweger); Peroxisome biogenesis disorder 7B. Last evaluated: 2026-01-23. Review status: criteria provided, single submitter. Criteria: Invitae Variant Classification Sherloc (09022015). Collection method: clinical testing. Allele origin: germline.

Blueprint Genetics
Classification: Likely benign. Last evaluated: 2024-10-07. Review status: criteria provided, single submitter. Criteria: ACMG Guidelines, 2015. Collection method: clinical testing. Allele origin: germline.

Fulgent Genetics
Classification: Likely benign for Peroxisome biogenesis disorder 7A (Zellweger); Peroxisome biogenesis disorder 7B. Last evaluated: 2021-10-11. Review status: criteria provided, single submitter. Criteria: ACMG Guidelines, 2015. Collection method: clinical testing. Allele origin: unknown.

PreventionGenetics, part of Exact Sciences
Classification: Benign for PEX26-related condition. Last evaluated: 2021-04-21. Review status: no assertion criteria provided. Collection method: clinical testing. Allele origin: germline. Not counted in ClinVar's aggregate classification.
Comment: This variant is classified as benign based on ACMG/AMP sequence variant interpretation guidelines (Richards et al. 2015 PMID: 25741868, with internal and published modifications).

NM_001127649.3(PEX26):c.501G>A (p.Val167=)

Gene: PEX26 (peroxisomal biogenesis factor 26; plus strand). Cytogenetic location: 22q11.21.
Variant type: single nucleotide variant.
Coding change: c.501G>A on transcript NM_001127649.3 (MANE Select); coding-DNA position 501, G replaced by A.
Protein change: p.Val167=; no amino-acid change (valine 167 retained).
Molecular consequence: synonymous variant.
Genome position (GRCh38, 1-based): chr22:18,083,566, G>A. VCF-style: chr22-18083566-G-A. GRCh37 (hg19) VCF-style: chr22-18566332-G-A.
Other names: c.501G>A (NM_017929.5); c.501G>A, p.Val167= (NM_001199319.2, NM_017929.6).
Identifiers: ClinVar variation 1165260 (VCV001165260.13), dbSNP rs201666490, ClinGen allele CA10093340.